The following is an entry in ClinVar:

NM_177550.5(SLC13A5):c.602G>A (p.Arg201Gln)

Gene: SLC13A5 (solute carrier family 13 member 5; minus strand). Cytogenetic location: 17p13.1.
Variant type: single nucleotide variant.
Coding change: c.602G>A on transcript NM_177550.5 (MANE Select); coding-DNA position 602, G replaced by A.
Protein change: p.Arg201Gln; replaces arginine 201 with glutamine.
Molecular consequence: missense variant.
Genome position (GRCh38, 1-based): chr17:6,703,084, C>T on the plus strand (G>A on the coding strand, the complement: SLC13A5 is on the minus strand). VCF-style: chr17-6703084-C-T. GRCh37 (hg19) VCF-style: chr17-6606403-C-T.
Other names: c.602G>A, p.Arg201Gln (NM_001143838.3); c.551G>A, p.Arg184Gln (NM_001284509.2); c.473G>A, p.Arg158Gln (NM_001284510.2); short protein forms R201Q, R158Q, R184Q.
Identifiers: ClinVar variation 475200 (VCV000475200.12), dbSNP rs200275193, ClinGen allele CA8331664.

ClinVar aggregate classification (germline): Uncertain significance. Review status: criteria provided, multiple submitters, no conflicts (2 of 4 stars). 3 submissions from 3 submitters: Uncertain significance (3). Last evaluated 2022-10-08.

Conditions:
Inborn genetic diseases. Identifiers: MedGen C0950123, MeSH D030342.
Developmental and epileptic encephalopathy, 25 (DEE25). Also called: Developmental and epileptic encephalopathy 25, with amelogenesis imperfecta; Epileptic encephalopathy, early infantile, 25, with amelogenesis imperfecta; Epileptic encephalopathy, early infantile, 25. Identifiers: Orphanet 442835, MedGen C4014621, MONDO:0014392, OMIM 615905.

Allele frequency attached by ClinVar (database versions not stated): gnomAD 0.00003 and 0.00005; gnomAD exomes 0.00004 and 0.00013; TOPMed 0.00007; ESP Exome Variant Server 0.00008; ExAC 0.00014; 1000 Genomes Project 0.00020; 1000 Genomes Project 30x 0.00031.

Submissions (3):

Labcorp Genetics (formerly Invitae), Labcorp
Classification: Uncertain significance for Developmental and epileptic encephalopathy, 25. Last evaluated: 2022-10-08. Review status: criteria provided, single submitter. Criteria: Invitae Variant Classification Sherloc (09022015). Collection method: clinical testing. Allele origin: germline.
Comment: This sequence change replaces arginine, which is basic and polar, with glutamine, which is neutral and polar, at codon 201 of the SLC13A5 protein (p.Arg201Gln). This variant is present in population databases (rs200275193, gnomAD 0.07%). This variant has not been reported in the literature in individuals affected with SLC13A5-related conditions. ClinVar contains an entry for this variant (Variation ID: 475200). Advanced modeling of protein sequence and biophysical properties (such as structural, functional, and spatial information, amino acid conservation, physicochemical variation, residue mobility, and thermodynamic stability) performed at Invitae indicates that this missense variant is not expected to disrupt SLC13A5 protein function. In summary, the available evidence is currently insufficient to determine the role of this variant in disease. Therefore, it has been classified as a Variant of Uncertain Significance.

Genome-Nilou Lab
Classification: Uncertain significance for Developmental and epileptic encephalopathy, 25. Last evaluated: 2021-07-15. Review status: criteria provided, single submitter. Criteria: ACMG Guidelines, 2015. Collection method: clinical testing. Allele origin: germline. Affected: no.

Ambry Genetics
Classification: Uncertain significance for Inborn genetic diseases. Last evaluated: 2021-06-11. Review status: criteria provided, single submitter. Criteria: Ambry Variant Classification Scheme 2023. Collection method: clinical testing. Allele origin: germline.